The following is an entry in ClinVar:

NM_002579.3(PALM):c.1103C>G (p.Thr368Ser)

Gene: PALM (paralemmin; plus strand). Cytogenetic location: 19p13.3.
Variant type: single nucleotide variant.
Coding change: c.1103C>G on transcript NM_002579.3 (MANE Select); coding-DNA position 1103, C replaced by G.
Protein change: p.Thr368Ser; replaces threonine 368 with serine.
Molecular consequence: missense variant.
Genome position (GRCh38, 1-based): chr19:746,753, C>G. VCF-style: chr19-746753-C-G. GRCh37 (hg19) VCF-style: chr19-746753-C-G.
Other names: c.971C>G, p.Thr324Ser (NM_001040134.2); short protein forms T324S, T368S.
Identifiers: ClinVar variation 2090504 (VCV002090504.4), dbSNP rs1419007576, ClinGen allele CA402892282.
Genomic context (GRCh38, chr19:746,753, plus strand): 5'-CCGAGCCTCCCACGGAGGCCGCCTCCAGGGAAGAGAATCAGGCGGGGCCCGAGGCCACCA[C>G]CAGCGACCCCCAGGACCTCGACATGAAGAAGCACCGTTGTAAATGCTGCTCCATCATGTG-3'
Protein context (NP_002570.2, residues 358-378): EENQAGPEAT[Thr368Ser]SDPQDLDMKK

ClinVar aggregate classification (germline): Uncertain significance (1 of 4 stars; one submission).

Allele frequency attached by ClinVar (database versions not stated): TOPMed below 0.00001.
gnomAD v4.1: 25 of 1,595,488 alleles (0.0016%); highest among the groups gnomAD compares: Non-Finnish European, 0.0021%; no homozygotes.

Submission:

Labcorp Genetics (formerly Invitae), Labcorp
Classification: Uncertain significance. Last evaluated: 2022-09-30. Review status: criteria provided, single submitter. Criteria: Invitae Variant Classification Sherloc (09022015). Collection method: clinical testing. Allele origin: germline.
Comment: In summary, the available evidence is currently insufficient to determine the role of this variant in disease. Therefore, it has been classified as a Variant of Uncertain Significance. Algorithms developed to predict the effect of missense changes on protein structure and function (SIFT, PolyPhen-2, Align-GVGD) all suggest that this variant is likely to be tolerated. This variant has not been reported in the literature in individuals affected with PALM-related conditions. This variant is not present in population databases (gnomAD no frequency). This sequence change replaces threonine, which is neutral and polar, with serine, which is neutral and polar, at codon 368 of the PALM protein (p.Thr368Ser).